The following is an entry in ClinVar:

ClinVar aggregate classification (germline): Uncertain significance (1 of 4 stars; one submission).

Conditions:
SEMA3A-related disorder. Also called: SEMA3A-related condition.

gnomAD v4.1: 22 of 1,610,692 alleles (0.0014%); highest among the groups gnomAD compares: Non-Finnish European, 0.0018%; no homozygotes.

Submission:

PreventionGenetics, part of Exact Sciences
Classification: Uncertain significance for SEMA3A-related condition. Last evaluated: 2026-01-08. Review status: criteria provided, single submitter. Criteria: ACMG Guidelines, 2015. Collection method: clinical testing. Allele origin: germline.
Comment: The SEMA3A c.926-3C>T variant is predicted to interfere with splicing. To our knowledge, this variant has not been reported in the literature. This variant is reported in 0.0018% of alleles in individuals of European (Non-Finnish) descent in gnomAD. At this time, the clinical significance of this variant is uncertain due to the absence of conclusive functional and genetic evidence.

NM_006080.3(SEMA3A):c.926-3C>T

Gene: SEMA3A (semaphorin 3A; minus strand). Cytogenetic location: 7q21.11.
Variant type: single nucleotide variant.
Coding change: c.926-3C>T on transcript NM_006080.3 (MANE Select); 3 bases into the intron before coding-DNA position 926, C replaced by T.
Molecular consequence: intron variant.
Genome position (GRCh38, 1-based): chr7:84,011,094, G>A on the plus strand (C>T on the coding strand, the complement: SEMA3A is on the minus strand). VCF-style: chr7-84011094-G-A. GRCh37 (hg19) VCF-style: chr7-83640410-G-A.
Identifiers: ClinVar variation 4986166 (VCV004986166.1).